The following is an entry in ClinVar:

NM_000824.5(GLRB):c.782C>T (p.Thr261Ile)

Gene: GLRB (glycine receptor beta; plus strand). Cytogenetic location: 4q32.1.
Variant type: single nucleotide variant.
Coding change: c.782C>T on transcript NM_000824.5 (MANE Select); coding-DNA position 782, C replaced by T.
Protein change: p.Thr261Ile; replaces threonine 261 with isoleucine.
Molecular consequence: missense variant.
Genome position (GRCh38, 1-based): chr4:157,143,837, C>T. VCF-style: chr4-157143837-C-T. GRCh37 (hg19) VCF-style: chr4-158064989-C-T.
Other names: c.782C>T, p.Thr261Ile (NM_001166060.2, NM_001166061.2); short protein forms T261I.
Identifiers: ClinVar variation 1377938 (VCV001377938.6), dbSNP rs2126583509, ClinGen allele CA358643925.
Genomic context (GRCh38, chr4:157,143,837, plus strand): 5'-TCATGCCTTGAATGTGTTTGCTTCTGAAAGGCTACTACACATGCGTGGAAGTCATCTTCA[C>T]CCTGAGGAGGCAGGTCGGCTTTTACATGATGGGGGTCTACGCCCCAACTCTGCTCATTGT-3'
Protein context (NP_000815.1, residues 251-271): GYYTCVEVIF[Thr261Ile]LRRQVGFYMM

ClinVar aggregate classification (germline): Uncertain significance (1 of 4 stars; one submission).

Conditions:
Hyperekplexia 2 (HKPX2). Identifiers: Orphanet 3197, MedGen C3553291, MONDO:0013828, OMIM 614619.

Submission:

Labcorp Genetics (formerly Invitae), Labcorp
Classification: Uncertain significance for Hyperekplexia 2. Last evaluated: 2021-10-14. Review status: criteria provided, single submitter. Criteria: Invitae Variant Classification Sherloc (09022015). Collection method: clinical testing. Allele origin: germline.
Comment: This sequence change replaces threonine with isoleucine at codon 261 of the GLRB protein (p.Thr261Ile). The threonine residue is highly conserved and there is a moderate physicochemical difference between threonine and isoleucine. This variant is not present in population databases (ExAC no frequency). This variant has not been reported in the literature in individuals affected with GLRB-related conditions. Advanced modeling of protein sequence and biophysical properties (such as structural, functional, and spatial information, amino acid conservation, physicochemical variation, residue mobility, and thermodynamic stability) performed at Invitae indicates that this missense variant is not expected to disrupt GLRB protein function. In summary, the available evidence is currently insufficient to determine the role of this variant in disease. Therefore, it has been classified as a Variant of Uncertain Significance.